The following is an entry in ClinVar:

ClinVar aggregate classification (germline): Uncertain significance. Review status: criteria provided, multiple submitters, no conflicts (2 of 4 stars). 2 submissions from 2 submitters: Uncertain significance (2). Last evaluated 2025-04-09.

Conditions:
Hereditary cancer-predisposing syndrome. Also called: Tumor predisposition; Hereditary Cancer Syndrome; Neoplastic Syndromes, Hereditary; Hereditary neoplastic syndrome. Identifiers: Orphanet 140162, MedGen C0027672, MeSH D009386, MONDO:0015356.
Bloom syndrome (BLM). Also called: Bloom-Torre-Machacek syndrome. Identifiers: Orphanet 125, MedGen C0005859, MONDO:0008876, OMIM 210900.

Allele frequency attached by ClinVar (database versions not stated): gnomAD exomes 0.00001.
gnomAD v4.1: 17 of 1,613,994 alleles (0.0011%); highest among the groups gnomAD compares: Non-Finnish European, 0.0014%; no homozygotes.

Submissions (2):

Ambry Genetics
Classification: Uncertain significance for Hereditary cancer-predisposing syndrome. Last evaluated: 2025-04-09. Review status: criteria provided, single submitter. Criteria: Ambry Variant Classification Scheme 2023. Collection method: clinical testing. Allele origin: germline.
Comment: The p.R1000T variant (also known as c.2999G>C), located in coding exon 14 of the BLM gene, results from a G to C substitution at nucleotide position 2999. The arginine at codon 1000 is replaced by threonine, an amino acid with similar properties. This amino acid position is highly conserved in available vertebrate species. In addition, this alteration is predicted to be deleterious by in silico analysis. Since supporting evidence is limited at this time, the clinical significance of this alteration remains unclear.

Labcorp Genetics (formerly Invitae), Labcorp
Classification: Uncertain significance for Bloom syndrome. Last evaluated: 2022-12-15. Review status: criteria provided, single submitter. Criteria: Invitae Variant Classification Sherloc (09022015). Collection method: clinical testing. Allele origin: germline.
Comment: This sequence change replaces arginine, which is basic and polar, with threonine, which is neutral and polar, at codon 1000 of the BLM protein (p.Arg1000Thr). This variant is not present in population databases (gnomAD no frequency). In summary, the available evidence is currently insufficient to determine the role of this variant in disease. Therefore, it has been classified as a Variant of Uncertain Significance. Advanced modeling of protein sequence and biophysical properties (such as structural, functional, and spatial information, amino acid conservation, physicochemical variation, residue mobility, and thermodynamic stability) performed at Invitae indicates that this missense variant is expected to disrupt BLM protein function. ClinVar contains an entry for this variant (Variation ID: 822481). This variant has not been reported in the literature in individuals affected with BLM-related conditions.

NM_000057.4(BLM):c.2999G>C (p.Arg1000Thr)

Gene: BLM (BLM RecQ like helicase; plus strand). Cytogenetic location: 15q26.1.
Variant type: single nucleotide variant.
Coding change: c.2999G>C on transcript NM_000057.4 (MANE Select); coding-DNA position 2999, G replaced by C.
Protein change: p.Arg1000Thr; replaces arginine 1000 with threonine.
Molecular consequence: missense variant.
Genome position (GRCh38, 1-based): chr15:90,790,824, G>C. VCF-style: chr15-90790824-G-C. GRCh37 (hg19) VCF-style: chr15-91334054-G-C.
Other names: c.2999G>C, p.Arg1000Thr (NM_001287246.2, NM_001287247.2); c.1874G>C, p.Arg625Thr (NM_001287248.2); short protein forms R625T, R1000T.
Identifiers: ClinVar variation 822481 (VCV000822481.13), dbSNP rs1596257309, ClinGen allele CA393846587.